The following is an entry in ClinVar:

NM_004446.3(EPRS1):c.58G>A (p.Ala20Thr)

Gene: EPRS1 (glutamyl-prolyl-tRNA synthetase 1; minus strand). Cytogenetic location: 1q41.
Variant type: single nucleotide variant.
Coding change: c.58G>A on transcript NM_004446.3 (MANE Select); coding-DNA position 58, G replaced by A.
Protein change: p.Ala20Thr; replaces alanine 20 with threonine.
Molecular consequence: missense variant.
Genome position (GRCh38, 1-based): chr1:220,040,258, C>T on the plus strand (G>A on the coding strand, the complement: EPRS1 is on the minus strand). VCF-style: chr1-220040258-C-T. GRCh37 (hg19) VCF-style: chr1-220213600-C-T.
Other names: short protein forms A20T.
Identifiers: ClinVar variation 1681020 (VCV001681020.5), dbSNP rs752239544, ClinGen allele CA37537608.
Genomic context (GRCh38, chr1:220,040,258, plus strand): 5'-GAATATTCTCTTTCCCTTCTTCAACGGAAATGCTGACATCGTCTTTCACGTGTTCTACTG[C>T]CAGCAAAGCTCCTATAAATAATATGAAAAGATTTTTTATCTTTAAAAGCAATGCAGTATT-3'
Protein context (NP_004437.2, residues 10-30): SGDPPLGALL[Ala20Thr]VEHVKDDVSI

ClinVar aggregate classification (germline): Uncertain significance (1 of 4 stars; one submission).

Allele frequency attached by ClinVar (database versions not stated): gnomAD exomes below 0.00001; gnomAD 0.00001 and 0.00002; TOPMed 0.00001.
gnomAD v4.1: 6 of 1,599,218 alleles (0.00038%); highest among the groups gnomAD compares: Non-Finnish European, 0.00051%; no homozygotes.

Submission:

Labcorp Genetics (formerly Invitae), Labcorp
Classification: Uncertain significance. Last evaluated: 2024-04-05. Review status: criteria provided, single submitter. Criteria: Invitae Variant Classification Sherloc (09022015). Collection method: clinical testing. Allele origin: germline.
Comment: This sequence change replaces alanine, which is neutral and non-polar, with threonine, which is neutral and polar, at codon 20 of the EPRS protein (p.Ala20Thr). This variant is present in population databases (no rsID available, gnomAD 0.002%). This variant has not been reported in the literature in individuals affected with EPRS-related conditions. ClinVar contains an entry for this variant (Variation ID: 1681020). Algorithms developed to predict the effect of missense changes on protein structure and function output the following: SIFT: "Not Available"; PolyPhen-2: "Benign"; Align-GVGD: "Not Available". The threonine amino acid residue is found in multiple mammalian species, which suggests that this missense change does not adversely affect protein function. In summary, the available evidence is currently insufficient to determine the role of this variant in disease. Therefore, it has been classified as a Variant of Uncertain Significance.